The following is an entry in ClinVar:

NM_032730.5(RTN4IP1):c.194T>C (p.Met65Thr)

Gene: RTN4IP1 (reticulon 4 interacting protein 1; minus strand). Cytogenetic location: 6q21.
Variant type: single nucleotide variant.
Coding change: c.194T>C on transcript NM_032730.5 (MANE Select); coding-DNA position 194, T replaced by C.
Protein change: p.Met65Thr; replaces methionine 65 with threonine.
Molecular consequence: missense variant. On other transcripts: intron variant (1).
Genome position (GRCh38, 1-based): chr6:106,628,828, A>G on the plus strand (T>C on the coding strand, the complement: RTN4IP1 is on the minus strand). VCF-style: chr6-106628828-A-G. GRCh37 (hg19) VCF-style: chr6-107076703-A-G.
Other names: c.-27+1499T>C (NM_001318746.1); short protein forms M65T.
Identifiers: ClinVar variation 1059687 (VCV001059687.8), dbSNP rs369908058, ClinGen allele CA3944576.
Genomic context (GRCh38, chr6:106,628,828, plus strand): 5'-GGATTTACACTGGCAGCGTGAACTTTGACAATGACTTCATTTGGATAGTGTATGATAGGC[A>G]TCATCATGTTCTGAGTGAATCGAAGCACTTCATTCTTCCCATATTTATCTATCACCCAAG-3'
Protein context (NP_116119.2, residues 55-75): EVLRFTQNMM[Met65Thr]PIIHYPNEVI

ClinVar aggregate classification (germline): Uncertain significance (1 of 4 stars; one submission).

Allele frequency attached by ClinVar (database versions not stated): gnomAD exomes below 0.00001; ExAC 0.00001; gnomAD 0.00001; TOPMed 0.00001; ESP Exome Variant Server 0.00008.

Submission:

Labcorp Genetics (formerly Invitae), Labcorp
Classification: Uncertain significance. Last evaluated: 2022-10-13. Review status: criteria provided, single submitter. Criteria: Invitae Variant Classification Sherloc (09022015). Collection method: clinical testing. Allele origin: germline.
Comment: This variant has not been reported in the literature in individuals affected with RTN4IP1-related conditions. ClinVar contains an entry for this variant (Variation ID: 1059687). Advanced modeling of protein sequence and biophysical properties (such as structural, functional, and spatial information, amino acid conservation, physicochemical variation, residue mobility, and thermodynamic stability) performed at Invitae indicates that this missense variant is not expected to disrupt RTN4IP1 protein function. In summary, the available evidence is currently insufficient to determine the role of this variant in disease. Therefore, it has been classified as a Variant of Uncertain Significance. This variant is present in population databases (rs369908058, gnomAD 0.0009%). This sequence change replaces methionine, which is neutral and non-polar, with threonine, which is neutral and polar, at codon 65 of the RTN4IP1 protein (p.Met65Thr).